The following is an entry in ClinVar:

ClinVar aggregate classification (germline): Uncertain significance. Review status: criteria provided, multiple submitters, no conflicts (2 of 4 stars). 2 submissions from 2 submitters: Uncertain significance (2). Last evaluated 2023-04-18.

Conditions:
Hereditary spastic paraplegia 11. Also called: SPASTIC PARAPLEGIA, AUTOSOMAL RECESSIVE, COMPLICATED, WITH THIN CORPUS CALLOSUM; SPASTIC PARAPLEGIA, AUTOSOMAL RECESSIVE, WITH MENTAL IMPAIRMENT AND THIN CORPUS CALLOSUM; Spastic Paraplegia 11; Nakamura Osame syndrome; Autosomal recessive hereditary spastic paraplegia, mental impairment, and thin corpus callosum; Spastic paraplegia, mental retardation and thin corpus callosum. Identifiers: Orphanet 2822, MedGen C1858479, MONDO:0011445, OMIM 604360.

Allele frequency attached by ClinVar (database versions not stated): 1000 Genomes Project 30x 0.00016.
gnomAD v4.1: 4 of 1,614,154 alleles (0.00025%); highest among the groups gnomAD compares: East Asian, 0.0089%; no homozygotes.

Submissions (2):

GeneDx
Classification: Uncertain significance. Last evaluated: 2023-04-18. Review status: criteria provided, single submitter. Criteria: GeneDx Variant Classification Process June 2021. Collection method: clinical testing. Allele origin: germline. Affected: yes.
Comment: In silico analysis supports that this missense variant does not alter protein structure/function; Has not been previously published as pathogenic or benign to our knowledge

Labcorp Genetics (formerly Invitae), Labcorp
Classification: Uncertain significance for Hereditary spastic paraplegia 11. Last evaluated: 2021-08-20. Review status: criteria provided, single submitter. Criteria: Invitae Variant Classification Sherloc (09022015). Collection method: clinical testing. Allele origin: germline.
Comment: This sequence change replaces valine with leucine at codon 1602 of the SPG11 protein (p.Val1602Leu). The valine residue is moderately conserved and there is a small physicochemical difference between valine and leucine. This variant is present in population databases (rs754536969, ExAC 0.02%). This variant has not been reported in the literature in individuals affected with SPG11-related conditions. Algorithms developed to predict the effect of missense changes on protein structure and function (SIFT, PolyPhen-2, Align-GVGD) all suggest that this variant is likely to be tolerated. In summary, the available evidence is currently insufficient to determine the role of this variant in disease. Therefore, it has been classified as a Variant of Uncertain Significance.

NM_025137.4(SPG11):c.4804G>T (p.Val1602Leu)

Gene: SPG11 (SPG11 vesicle trafficking associated, spatacsin; minus strand). Cytogenetic location: 15q21.1.
Variant type: single nucleotide variant.
Coding change: c.4804G>T on transcript NM_025137.4 (MANE Select); coding-DNA position 4804, G replaced by T.
Protein change: p.Val1602Leu; replaces valine 1602 with leucine.
Molecular consequence: missense variant.
Genome position (GRCh38, 1-based): chr15:44,589,354, C>A on the plus strand (G>T on the coding strand, the complement: SPG11 is on the minus strand). VCF-style: chr15-44589354-C-A. GRCh37 (hg19) VCF-style: chr15-44881552-C-A.
Other names: c.4804G>T, p.Val1602Leu (NM_001160227.2); short protein forms V1602L.
Identifiers: ClinVar variation 950576 (VCV000950576.7), dbSNP rs754536969, ClinGen allele CA7534576.